The following is an entry in ClinVar:

NM_000372.5(TYR):c.112C>G (p.Pro38Ala)

Gene: TYR (tyrosinase; plus strand). Cytogenetic location: 11q14.3.
Variant type: single nucleotide variant.
Coding change: c.112C>G on transcript NM_000372.5 (MANE Select); coding-DNA position 112, C replaced by G.
Protein change: p.Pro38Ala; replaces proline 38 with alanine.
Molecular consequence: missense variant.
Genome position (GRCh38, 1-based): chr11:89,178,065, C>G. VCF-style: chr11-89178065-C-G. GRCh37 (hg19) VCF-style: chr11-88911233-C-G.
Other names: short protein forms P38A.
Identifiers: ClinVar variation 1476289 (VCV001476289.6), dbSNP rs61759520, ClinGen allele CA382033479.

ClinVar aggregate classification (germline): Uncertain significance (1 of 4 stars; one submission).

Submission:

Labcorp Genetics (formerly Invitae), Labcorp
Classification: Uncertain significance. Last evaluated: 2021-09-03. Review status: criteria provided, single submitter. Criteria: Invitae Variant Classification Sherloc (09022015). Collection method: clinical testing. Allele origin: germline.
Comment: In summary, the available evidence is currently insufficient to determine the role of this variant in disease. Therefore, it has been classified as a Variant of Uncertain Significance. Advanced modeling of protein sequence and biophysical properties (such as structural, functional, and spatial information, amino acid conservation, physicochemical variation, residue mobility, and thermodynamic stability) performed at Invitae indicates that this missense variant is not expected to disrupt TYR protein function. This sequence change replaces proline with alanine at codon 38 of the TYR protein (p.Pro38Ala). The proline residue is moderately conserved and there is a small physicochemical difference between proline and alanine. This variant is not present in population databases (ExAC no frequency). This variant has not been reported in the literature in individuals affected with TYR-related conditions.